The following is an entry in ClinVar:

ClinVar aggregate classification (germline): Uncertain significance (1 of 4 stars; one submission).

Submission:

Labcorp Genetics (formerly Invitae), Labcorp
Classification: Uncertain significance. Last evaluated: 2021-12-13. Review status: criteria provided, single submitter. Criteria: Invitae Variant Classification Sherloc (09022015). Collection method: clinical testing. Allele origin: germline.
Comment: In summary, the available evidence is currently insufficient to determine the role of this variant in disease. Therefore, it has been classified as a Variant of Uncertain Significance. Algorithms developed to predict the effect of missense changes on protein structure and function are either unavailable or do not agree on the potential impact of this missense change (SIFT: "Deleterious"; PolyPhen-2: "Possibly Damaging"; Align-GVGD: "Class C0"). This variant has not been reported in the literature in individuals affected with ITPR1-related conditions. This variant is not present in population databases (gnomAD no frequency). This sequence change replaces glycine, which is neutral and non-polar, with aspartic acid, which is acidic and polar, at codon 1678 of the ITPR1 protein (p.Gly1678Asp).

NM_001378452.1(ITPR1):c.5222G>A (p.Gly1741Asp)

Gene: ITPR1 (inositol 1,4,5-trisphosphate receptor type 1; plus strand). Cytogenetic location: 3p26.1.
Variant type: single nucleotide variant.
Coding change: c.5222G>A on transcript NM_001378452.1 (MANE Select); coding-DNA position 5222, G replaced by A.
Protein change: p.Gly1741Asp; replaces glycine 1741 with aspartic acid.
Molecular consequence: missense variant.
Genome position (GRCh38, 1-based): chr3:4,733,089, G>A. VCF-style: chr3-4733089-G-A. GRCh37 (hg19) VCF-style: chr3-4774773-G-A.
Other names: c.5078G>A, p.Gly1693Asp (NM_001099952.4); c.5177G>A, p.Gly1726Asp (NM_001168272.2); c.5033G>A, p.Gly1678Asp (NM_002222.7); short protein forms G1726D, G1678D, G1693D, G1741D.
Identifiers: ClinVar variation 1419130 (VCV001419130.6), dbSNP rs2125317888, ClinGen allele CA351638592.